The following is an entry in ClinVar:

ClinVar aggregate classification (germline): Conflicting classifications of pathogenicity. Review status: criteria provided, conflicting classifications (1 of 4 stars). 2 submissions from 2 submitters: Uncertain significance (1); Likely benign (1). Last evaluated 2025-09-16.

Allele frequency attached by ClinVar (database versions not stated): gnomAD exomes below 0.00001; gnomAD 0.00001; ExAC 0.00003; TOPMed 0.00003.
gnomAD v4.1: 6 of 1,609,242 alleles (0.00037%); highest among the groups gnomAD compares: African/African-American, 0.008%; no homozygotes.

Submissions (2):

Women's Health and Genetics/Laboratory Corporation of America, LabCorp
Classification: Uncertain significance. Last evaluated: 2025-09-16. Review status: criteria provided, single submitter. Criteria: LabCorp Variant Classification Summary - May 2015. Collection method: clinical testing. Allele origin: germline.
Comment: Variant summary: SMARCA2 c.104C>T (p.Pro35Leu) results in a non-conservative amino acid change in the encoded protein sequence. Algorithms developed to predict the effect of missense changes on protein structure and function are either unavailable or do not agree on the potential impact of this missense change. The variant allele was found at a frequency of 8.2e-06 in 242982 control chromosomes. The available data on variant occurrences in the general population are insufficient to allow any conclusion about variant significance. To our knowledge, no occurrence of c.104C>T in individuals affected with SMARCA2-related conditions and no experimental evidence demonstrating its impact on protein function have been reported. ClinVar contains an entry for this variant (Variation ID: 2720233). Based on the evidence outlined above, the variant was classified as uncertain significance.

Labcorp Genetics (formerly Invitae), Labcorp
Classification: Likely benign. Last evaluated: 2024-04-22. Review status: criteria provided, single submitter. Criteria: Invitae Variant Classification Sherloc (09022015). Collection method: clinical testing. Allele origin: germline.

NM_003070.5(SMARCA2):c.104C>T (p.Pro35Leu)

Gene: SMARCA2 (SWI/SNF related BAF chromatin remodeling complex subunit ATPase 2; plus strand). Cytogenetic location: 9p24.3.
Variant type: single nucleotide variant.
Coding change: c.104C>T on transcript NM_003070.5 (MANE Select); coding-DNA position 104, C replaced by T.
Protein change: p.Pro35Leu; replaces proline 35 with leucine.
Molecular consequence: missense variant.
Genome position (GRCh38, 1-based): chr9:2,029,126, C>T. VCF-style: chr9-2029126-C-T. GRCh37 (hg19) VCF-style: chr9-2029126-C-T.
Other names: c.104C>T, p.Pro35Leu (NM_001289396.2, NM_001289397.2, NM_139045.4); short protein forms P35L.
Identifiers: ClinVar variation 2720233 (VCV002720233.4), dbSNP rs749279138, ClinGen allele CA4962754.
Genomic context (GRCh38, chr9:2,029,126, plus strand): 5'-CTTCGCCGGGGCCTGGGCCTTCCCCTGGGCCAATTCTTGGGCCTAGTCCAGGACCAGGAC[C>T]ATCCCCAGGTTCCGTCCACAGCATGATGGGGCCAAGTCCTGGACCTCCAAGTGTCTCCCA-3'
Protein context (NP_003061.3, residues 25-45): PILGPSPGPG[Pro35Leu]SPGSVHSMMG